The following is an entry in ClinVar:

ClinVar aggregate classification (germline): Benign. Review status: criteria provided, multiple submitters, no conflicts (2 of 4 stars). 3 submissions from 3 submitters: Benign (3). Last evaluated 2025-07-31.

Conditions:
Deafness-lymphedema-leukemia syndrome. Also called: Emberger syndrome; Lymphedema, primary, with myelodysplasia. Identifiers: Orphanet 3226, MedGen C3279664, MONDO:0013540, OMIM 614038.
Monocytopenia with susceptibility to infections. Also called: MONOCYTOPENIA AND MYCOBACTERIAL INFECTION SYNDROME; MONOCYTOPENIA WITH SUSCEPTIBILITY TO MYCOBACTERIAL, FUNGAL, AND PAPILLOMAVIRUS INFECTIONS AND MYELODYSPLASIA; COMBINED IMMUNODEFICIENCY WITH SUSCEPTIBILITY TO MYCOBACTERIAL, VIRAL, AND FUNGAL INFECTIONS; Dendritic cell, monocyte, B lymphocyte, and natural killer lymphocyte deficiency; GATA2 DEFICIENCY; IMMUNODEFICIENCY 21. Identifiers: Orphanet 228423, MedGen C3280030, MONDO:0013607, OMIM 614172.

Allele frequency attached by ClinVar (database versions not stated): 1000 Genomes Project 0.12460; 1000 Genomes Project 30x 0.12742; gnomAD exomes 0.16236; TOPMed 0.17394; gnomAD 0.17402 and 0.17918.

Submissions (3):

Labcorp Genetics (formerly Invitae), Labcorp
Classification: Benign for Monocytopenia with susceptibility to infections; Deafness-lymphedema-leukemia syndrome. Last evaluated: 2025-07-31. Review status: criteria provided, single submitter. Criteria: Invitae Variant Classification Sherloc (09022015). Collection method: clinical testing. Allele origin: germline.

Illumina Laboratory Services, Illumina
Classification: Benign for Deafness-lymphedema-leukemia syndrome. Last evaluated: 2018-03-06. Review status: criteria provided, single submitter. Criteria: ICSL Variant Classification Criteria 13 December 2019. Collection method: clinical testing. Allele origin: germline.
Comment: This variant was observed in the ICSL laboratory as part of a predisposition screen in an ostensibly healthy population. It had not been previously curated by ICSL or reported in the Human Gene Mutation Database (HGMD: prior to June 1st, 2018), and was therefore a candidate for classification through an automated scoring system. Utilizing variant allele frequency, disease prevalence and penetrance estimates, and inheritance mode, an automated score was calculated to assess if this variant is too frequent to cause the disease. Based on the score and internal cut-off values, a variant classified as benign is not then subjected to further curation. The score for this variant resulted in a classification of benign for this disease.

Breakthrough Genomics
Classification: Benign. Review status: criteria provided, single submitter. Criteria: ACMG Guidelines, 2015. Collection method: not provided. Allele origin: germline. Inheritance: Autosomal dominant inheritance. Affected: yes.

NM_032638.5(GATA2):c.*482C>T

Gene: GATA2 (GATA binding protein 2; minus strand). Cytogenetic location: 3q21.3.
Variant type: single nucleotide variant.
Coding change: c.*482C>T on transcript NM_032638.5 (MANE Select); 482 bases downstream of the stop codon, C replaced by T.
Molecular consequence: 3 prime UTR variant.
Genome position (GRCh38, 1-based): chr3:128,480,537, G>A on the plus strand (C>T on the coding strand, the complement: GATA2 is on the minus strand). VCF-style: chr3-128480537-G-A. GRCh37 (hg19) VCF-style: chr3-128199380-G-A.
Other names: c.*482C>T (NM_001145661.2, NM_001145662.1).
Identifiers: ClinVar variation 343123 (VCV000343123.10), dbSNP rs3803, ClinGen allele CA10617154.